The following is an entry in ClinVar:

NM_144687.4(NLRP12):c.2057C>T (p.Thr686Met)

Gene: NLRP12 (NLR family pyrin domain containing 12; minus strand). Cytogenetic location: 19q13.42.
Variant type: single nucleotide variant.
Coding change: c.2057C>T on transcript NM_144687.4 (MANE Select); coding-DNA position 2057, C replaced by T.
Protein change: p.Thr686Met; replaces threonine 686 with methionine.
Molecular consequence: missense variant.
Genome position (GRCh38, 1-based): chr19:53,809,602, G>A on the plus strand (C>T on the coding strand, the complement: NLRP12 is on the minus strand). VCF-style: chr19-53809602-G-A. GRCh37 (hg19) VCF-style: chr19-54312856-G-A.
Other names: c.2057C>T, p.Thr686Met (NM_001277126.2, NM_001277129.1); short protein forms T686M.
Identifiers: ClinVar variation 661328 (VCV000661328.8), dbSNP rs756690369, ClinGen allele CA407411512.

ClinVar aggregate classification (germline): Uncertain significance (1 of 4 stars; one submission).

Conditions:
Familial cold autoinflammatory syndrome 2 (FCAS2). Identifiers: Orphanet 247868, MedGen C2673198, MONDO:0012724, OMIM 611762.

gnomAD v4.1: 3 of 1,610,434 alleles (0.00019%); highest among the groups gnomAD compares: South Asian, 0.0011%; no homozygotes.

Submission:

Labcorp Genetics (formerly Invitae), Labcorp
Classification: Uncertain significance for Familial cold autoinflammatory syndrome 2. Last evaluated: 2018-07-16. Review status: criteria provided, single submitter. Criteria: Invitae Variant Classification Sherloc (09022015). Collection method: clinical testing. Allele origin: germline.
Comment: This variant is not present in population databases (ExAC no frequency). This sequence change replaces threonine with methionine at codon 686 of the NLRP12 protein (p.Thr686Met). The threonine residue is moderately conserved and there is a moderate physicochemical difference between threonine and methionine. This variant has not been reported in the literature in individuals with NLRP12-related disease. In summary, the available evidence is currently insufficient to determine the role of this variant in disease. Therefore, it has been classified as a Variant of Uncertain Significance. Algorithms developed to predict the effect of missense changes on protein structure and function output the following: SIFT: "Tolerated"; PolyPhen-2: "Benign"; Align-GVGD: "Class C0". The methionine amino acid residue is found in multiple mammalian species, suggesting that this missense change does not adversely affect protein function. These predictions have not been confirmed by published functional studies and their clinical significance is uncertain.